The following is an entry in ClinVar:

NM_001029896.2(WDR45):c.131-7T>C

Genes: WDR45 (WD repeat domain 45; minus strand), LOC126863256 (BRD4-independent group 4 enhancer GRCh37_chrX:48934848-48936047; plus strand). Cytogenetic location: Xp11.23.
Variant type: single nucleotide variant.
Coding change: c.131-7T>C on transcript NM_001029896.2 (MANE Select); 7 bases into the intron before coding-DNA position 131, T replaced by C.
Molecular consequence: intron variant.
Genome position (GRCh38, 1-based): chrX:49,077,754, A>G on the plus strand (T>C on the coding strand, the complement: WDR45 is on the minus strand). VCF-style: chrX-49077754-A-G. GRCh37 (hg19) VCF-style: chrX-48935413-A-G.
Other names: c.131-7T>C (NM_007075.4).
Identifiers: ClinVar variation 391325 (VCV000391325.1), dbSNP rs1057524035, ClinGen allele CA16608881.
Genomic context (GRCh38, chrX:49,077,754, plus strand): 5'-GGTTGGAGCGGTGCAGCATCTCCACCAAGCCCATGCTGCCCACCTGCTCGTGGTCTGGAC[A>G]GGGACCAGGGTGTCAGTGGAGGTGGGAGCCAACGCCCAGCCCAGCTCTTCTGCCCATTGC-3'

ClinVar aggregate classification (germline): Likely benign (1 of 4 stars; one submission).

Allele frequency attached by ClinVar (database versions not stated): gnomAD exomes below 0.00001 and 0.00001.
gnomAD v4.1: 1 of 1,199,546 alleles (0.000083%); highest among the groups gnomAD compares: South Asian, 0.0018%; no homozygotes.

Submission:

GeneDx
Classification: Likely benign. Last evaluated: 2016-12-01. Review status: criteria provided, single submitter. Criteria: GeneDx Variant Classification (06012015). Collection method: clinical testing. Allele origin: germline. Affected: yes.
Comment: This variant is considered likely benign or benign based on one or more of the following criteria: it is a conservative change, it occurs at a poorly conserved position in the protein, it is predicted to be benign by multiple in silico algorithms, and/or has population frequency not consistent with disease.